The following is an entry in ClinVar:

ClinVar aggregate classification (germline): Uncertain significance (1 of 4 stars; one submission).

Conditions:
Glycine encephalopathy. Also called: Non-ketotic hyperglycinemia; Nonketotic hyperglycinemia. Identifiers: Orphanet 407, MedGen C0751748, MONDO:0011612, HP:0008288.

Submission:

Labcorp Genetics (formerly Invitae), Labcorp
Classification: Uncertain significance for Glycine encephalopathy. Last evaluated: 2020-05-26. Review status: criteria provided, single submitter. Criteria: Invitae Variant Classification Sherloc (09022015). Collection method: clinical testing. Allele origin: germline.
Comment: This sequence change replaces glycine with arginine at codon 287 of the GLDC protein (p.Gly287Arg). The glycine residue is moderately conserved and there is a moderate physicochemical difference between glycine and arginine. This variant is not present in population databases (ExAC no frequency). This variant has not been reported in the literature in individuals with GLDC-related conditions. Algorithms developed to predict the effect of missense changes on protein structure and function are either unavailable or do not agree on the potential impact of this missense change (SIFT: "Tolerated"; PolyPhen-2: "Probably Damaging"; Align-GVGD: "Class C0"). In summary, the available evidence is currently insufficient to determine the role of this variant in disease. Therefore, it has been classified as a Variant of Uncertain Significance.

NM_000170.3(GLDC):c.859G>C (p.Gly287Arg)

Gene: GLDC (glycine decarboxylase; minus strand). Cytogenetic location: 9p24.1.
Variant type: single nucleotide variant.
Coding change: c.859G>C on transcript NM_000170.3 (MANE Select); coding-DNA position 859, G replaced by C.
Protein change: p.Gly287Arg; replaces glycine 287 with arginine.
Molecular consequence: missense variant.
Genome position (GRCh38, 1-based): chr9:6,605,133, C>G on the plus strand (G>C on the coding strand, the complement: GLDC is on the minus strand). VCF-style: chr9-6605133-C-G. GRCh37 (hg19) VCF-style: chr9-6605133-C-G.
Other names: short protein forms G287R.
Identifiers: ClinVar variation 1006927 (VCV001006927.9), dbSNP rs1291181951, ClinGen allele CA372896222.